The following is an entry in ClinVar:

NM_016373.4(WWOX):c.183C>A (p.Tyr61Ter)

Gene: WWOX (WW domain containing oxidoreductase; plus strand). Cytogenetic location: 16q23.1.
Variant type: single nucleotide variant.
Coding change: c.183C>A on transcript NM_016373.4 (MANE Select); coding-DNA position 183, C replaced by A.
Protein change: p.Tyr61Ter; replaces tyrosine 61 with a stop codon.
Molecular consequence: nonsense. On other transcripts: non-coding transcript variant (1), 5 prime UTR variant (1).
Genome position (GRCh38, 1-based): chr16:78,109,788, C>A. VCF-style: chr16-78109788-C-A. GRCh37 (hg19) VCF-style: chr16-78143685-C-A.
Other names: c.183C>A, p.Tyr61Ter (NM_130791.5); c.-157C>A (NM_001291997.2); short protein forms Y61*.
Identifiers: ClinVar variation 373951 (VCV000373951.6), dbSNP rs759766243, ClinGen allele CA8183079.

ClinVar aggregate classification (germline): Pathogenic/Likely pathogenic. Review status: criteria provided, multiple submitters, no conflicts (2 of 4 stars). 4 submissions from 3 submitters: Pathogenic (2); Likely pathogenic (1). 1 of the submissions does not count toward it. Last evaluated 2024-09-20.

Conditions:
Epileptic encephalopathy. Identifiers: MedGen C0543888, HP:0200134.
Developmental and epileptic encephalopathy, 28 (DEE28). Also called: Epileptic encephalopathy, early infantile, 28. Identifiers: Orphanet 442835, MedGen C4015519, MONDO:0014533, OMIM 616211.

gnomAD v4.1: 7 of 1,614,028 alleles (0.00043%); highest among the groups gnomAD compares: Non-Finnish European, 0.00059%; no homozygotes.

Submissions (4):

Kids Research, The Children's Hospital at Westmead
Classification: Pathogenic for Developmental and epileptic encephalopathy, 28. Last evaluated: 2024-09-20. Review status: criteria provided, single submitter. Criteria: ACMG Guidelines, 2015. Collection method: research. Allele origin: germline. Affected: yes.
Comment: PVS1, PM2, PM3, PS1

Centre for Inherited Metabolic Diseases, Karolinska University Hospital
Classification: Pathogenic for Developmental and epileptic encephalopathy, 28. Last evaluated: 2024-05-24. Review status: criteria provided, single submitter. Criteria: ACMG Guidelines, 2015. Collection method: clinical testing. Allele origin: inherited. Inheritance: Autosomal recessive inheritance. Affected: yes. Observed: 1 homozygote.

Centre for Mendelian Genomics, University Medical Centre Ljubljana
Classification: Likely pathogenic for Developmental and epileptic encephalopathy, 28. Last evaluated: 2016-01-01. Review status: criteria provided, single submitter. Criteria: ACMG Guidelines, 2015. Collection method: clinical testing. Allele origin: unknown. Affected: yes.
Comment: This variant was classified as: Likely pathogenic.

Centre for Mendelian Genomics, University Medical Centre Ljubljana
Classification: Likely pathogenic for Epileptic encephalopathy. Last evaluated: 2016-04-18. Review status: no assertion criteria provided. Collection method: clinical testing. Allele origin: unknown. Affected: yes. Not counted in ClinVar's aggregate classification.